The following is an entry in ClinVar:

ClinVar aggregate classification (germline): Uncertain significance (1 of 4 stars; one submission).

Conditions:
PBX1-related disorder. Also called: PBX1-related condition.

Submission:

PreventionGenetics, part of Exact Sciences
Classification: Uncertain significance for PBX1-related condition. Last evaluated: 2024-11-20. Review status: criteria provided, single submitter. Criteria: ACMG Guidelines, 2015. Collection method: clinical testing. Allele origin: germline.
Comment: The PBX1 c.395C>T variant is predicted to result in the amino acid substitution p.Ala132Val. To our knowledge, this variant has not been reported in the literature. This variant is reported in 0.00092% of alleles in individuals of European (Non-Finnish) descent in gnomAD. At this time, the clinical significance of this variant is uncertain due to the absence of conclusive functional and genetic evidence.

NM_002585.4(PBX1):c.395C>T (p.Ala132Val)

Gene: PBX1 (PBX homeobox 1; plus strand). Cytogenetic location: 1q23.3.
Variant type: single nucleotide variant.
Coding change: c.395C>T on transcript NM_002585.4 (MANE Select); coding-DNA position 395, C replaced by T.
Protein change: p.Ala132Val; replaces alanine 132 with valine.
Molecular consequence: missense variant.
Genome position (GRCh38, 1-based): chr1:164,792,623, C>T. VCF-style: chr1-164792623-C-T. GRCh37 (hg19) VCF-style: chr1-164761860-C-T.
Other names: c.395C>T, p.Ala132Val (NM_001204961.2, NM_001204963.2, NM_001353131.2); c.146C>T, p.Ala49Val (NM_001353130.1); short protein forms A49V, A132V.
Identifiers: ClinVar variation 4996736 (VCV004996736.1).